The following is an entry in ClinVar:

ClinVar aggregate classification (germline): Benign (1 of 4 stars; one submission).

Conditions:
Familial adenomatous polyposis 1 (FAP1). Also called: POLYPOSIS, ADENOMATOUS INTESTINAL; FAMILIAL ADENOMATOUS POLYPOSIS 1, ATTENUATED. Identifiers: MedGen C2713442, MONDO:0021056, OMIM 175100. Disease mechanism: loss of function.

Submission:

Myriad Genetics, Inc.
Classification: Benign for Familial adenomatous polyposis 1. Last evaluated: 2024-03-01. Review status: criteria provided, single submitter. Criteria: Myriad Autosomal Dominant, Autosomal Recessive and X-Linked Classification Criteria (2023). Collection method: clinical testing. Allele origin: unknown.
Comment: This variant is considered benign. This variant is a silent/synonymous amino acid change and it is not expected to impact splicing.

NM_000038.6(APC):c.1287A>G (p.Pro429=)

Gene: APC (APC regulator of Wnt signaling pathway; plus strand). Cytogenetic location: 5q22.2.
Variant type: single nucleotide variant.
Coding change: c.1287A>G on transcript NM_000038.6 (MANE Select); coding-DNA position 1287, A replaced by G.
Protein change: p.Pro429=; no amino-acid change (proline 429 retained).
Molecular consequence: synonymous variant. On other transcripts: non-coding transcript variant (2).
Genome position (GRCh38, 1-based): chr5:112,819,319, A>G. VCF-style: chr5-112819319-A-G. GRCh37 (hg19) VCF-style: chr5-112155016-A-G.
Other names: c.1287A>G, p.Pro429= (NM_001127510.3, NM_001354895.2, NM_001354896.2 and 4 more transcripts); c.1233A>G, p.Pro411= (NM_001127511.3); c.1317A>G, p.Pro439= (NM_001354897.2, NM_001407446.1); c.1212A>G, p.Pro404= (NM_001354898.2, NM_001407451.1); c.1203A>G, p.Pro401= (NM_001354899.2, NM_001407452.1); c.1110A>G, p.Pro370= (NM_001354900.2, NM_001354901.2, NM_001407453.1); c.1014A>G, p.Pro338= (NM_001354902.2); c.984A>G, p.Pro328= (NM_001354903.2, NM_001407454.1, NM_001407455.1 and 5 more transcripts); and 5 more.
Identifiers: ClinVar variation 3148019 (VCV003148019.1), dbSNP rs2149783796, ClinGen allele CA445960394.